The following is an entry in ClinVar:

ClinVar aggregate classification (germline): Uncertain significance. Review status: criteria provided, multiple submitters, no conflicts (2 of 4 stars). 6 submissions from 6 submitters: Uncertain significance (5). 1 of the submissions does not count toward it. Last evaluated 2025-01-26.

Conditions:
Cardiovascular phenotype. Identifiers: MedGen CN230736.
Cardiac arrhythmia. Also called: Arrhythmia; Cardiac rhythm disease. Identifiers: MedGen C0003811, MONDO:0007263, HP:0011675.
Long QT syndrome (LQTS). Identifiers: MedGen C0023976, MeSH D008133, MONDO:0002442. Disease mechanism: loss of function. Inheritance: Various modes of inheritance.
SUDDEN INFANT DEATH SYNDROME (SIDS). Also called: Sudden Infant Death. Identifiers: MedGen C0038644, MeSH D013398, OMIM 272120.

Allele frequency attached by ClinVar (database versions not stated): gnomAD 0.00002 and 0.00003; gnomAD exomes 0.00002; TOPMed 0.00004; ExAC 0.00005; ESP Exome Variant Server 0.00008.
gnomAD v4.1: 28 of 1,588,528 alleles (0.0018%); highest among the groups gnomAD compares: African/African-American, 0.0067%; no homozygotes.

Submissions (6):

Labcorp Genetics (formerly Invitae), Labcorp
Classification: Uncertain significance for Long QT syndrome. Last evaluated: 2025-01-26. Review status: criteria provided, single submitter. Criteria: Invitae Variant Classification Sherloc (09022015). Collection method: clinical testing. Allele origin: germline.
Comment: This sequence change replaces proline, which is neutral and non-polar, with leucine, which is neutral and non-polar, at codon 1157 of the KCNH2 protein (p.Pro1157Leu). This variant is present in population databases (rs143167166, gnomAD 0.009%). This missense change has been observed in individual(s) with sudden infant death syndrome (PMID: 15913580). ClinVar contains an entry for this variant (Variation ID: 67499). An algorithm developed to predict the effect of missense changes on protein structure and function (PolyPhen-2) suggests that this variant is likely to be disruptive. Experimental studies have shown that this missense change does not substantially affect KCNH2 function (PMID: 25417810). In summary, the available evidence is currently insufficient to determine the role of this variant in disease. Therefore, it has been classified as a Variant of Uncertain Significance.

All of Us Research Program, National Institutes of Health
Classification: Uncertain significance for Long QT syndrome. Last evaluated: 2024-07-20. Review status: criteria provided, single submitter. Criteria: ACMG Guidelines, 2015. Collection method: clinical testing. Allele origin: germline. Inheritance: Autosomal dominant inheritance. Observed: 11 variant alleles, 11 heterozygotes.
Comment: This missense variant replaces proline with leucine at codon 1157 of the KCNH2 protein. Computational prediction is inconclusive regarding the impact of this variant on protein structure and function (internally defined REVEL score threshold 0.5 < inconclusive < 0.7, PMID: 27666373). An in-vitro functional study using transfected HEK293 cells has shown that this variant may not impact trafficking (PMID: 25417810). This variant has been reported in an individual affected with sudden unexplained death (PMID: 15913580). This variant has been identified in 4/205408 chromosomes in the general population by the Genome Aggregation Database (gnomAD). The available evidence is insufficient to determine the role of this variant in disease conclusively. Therefore, this variant is classified as a Variant of Uncertain Significance.

This study involves interpretation of variants in research participants for the purpose of population health screening. Participant phenotype was not available at the time of variant classification. Additional details can be found in publication PMID: 35346344, PMCID: PMC8962531

Color Diagnostics, LLC DBA Color Health
Classification: Uncertain significance for Cardiac arrhythmia. Last evaluated: 2024-07-03. Review status: criteria provided, single submitter. Criteria: ACMG Guidelines, 2015. Collection method: clinical testing. Allele origin: germline.
Comment: This missense variant replaces proline with leucine at codon 1157 of the KCNH2 protein. Computational prediction is inconclusive regarding the impact of this variant on protein structure and function (internally defined REVEL score threshold 0.5 < inconclusive < 0.7, PMID: 27666373). An in-vitro functional study using transfected HEK293 cells has shown that this variant may not impact trafficking (PMID: 25417810). This variant has been reported in an individual affected with sudden unexplained death (PMID: 15913580). This variant has been identified in 4/205408 chromosomes in the general population by the Genome Aggregation Database (gnomAD). The available evidence is insufficient to determine the role of this variant in disease conclusively. Therefore, this variant is classified as a Variant of Uncertain Significance.

Ambry Genetics
Classification: Uncertain significance for Cardiovascular phenotype. Last evaluated: 2022-05-03. Review status: criteria provided, single submitter. Criteria: Ambry Variant Classification Scheme 2023. Collection method: clinical testing. Allele origin: germline.

GeneDx
Classification: Uncertain significance. Last evaluated: 2021-06-22. Review status: criteria provided, single submitter. Criteria: GeneDx Variant Classification Process June 2021. Collection method: clinical testing. Allele origin: germline. Affected: yes.
Comment: Reported in one case of sudden infant death (Tester et al. 2005); Not observed at significant frequency in large population cohorts (Lek et al., 2016); In silico analysis, which includes protein predictors and evolutionary conservation, supports a deleterious effect; Immunoblot analysis of HEK293 cells transfected with this variant demonstrated protein trafficking to the cell membrane similar to wildtype (Anderson et al., 2014); Reported in ClinVar as a variant of uncertain significance (ClinVar Variant ID# 67499; Landrum et al., 2016); This variant is associated with the following publications: (PMID: 15913580, 31043699, 23465283, 27535533, 25417810, 26582918)

Cardiovascular Biomedical Research Unit, Royal Brompton & Harefield NHS Foundation Trust
No classification provided. Condition: SUDDEN INFANT DEATH SYNDROME. Review status: no classification provided. Collection method: literature only. Allele origin: germline. Not counted in ClinVar's aggregate classification.
Comment: This variant has been reported as associated with Sudden infant death syndrome in the following publications (PMID:15913580). This is a literature report, and does not necessarily reflect the clinical interpretation of the Imperial College / Royal Brompton Cardiovascular Genetics laboratory.

Literature cited by the submitters: PubMed 15913580 (cited by 4 submitters); PubMed 25417810 (cited by 3 submitters); PubMed 22581653 (cited by Cardiovascular Biomedical Research Unit, Royal Brompton & Harefield NHS Foundation Trust).

NM_000238.4(KCNH2):c.3470C>T (p.Pro1157Leu)

Gene: KCNH2 (potassium voltage-gated channel subfamily H member 2; minus strand). Cytogenetic location: 7q36.1.
Variant type: single nucleotide variant.
Coding change: c.3470C>T on transcript NM_000238.4 (MANE Select); coding-DNA position 3470, C replaced by T.
Protein change: p.Pro1157Leu; replaces proline 1157 with leucine.
Molecular consequence: missense variant.
Genome position (GRCh38, 1-based): chr7:150,945,375, G>A on the plus strand (C>T on the coding strand, the complement: KCNH2 is on the minus strand). VCF-style: chr7-150945375-G-A. GRCh37 (hg19) VCF-style: chr7-150642463-G-A.
Other names: p.P1157L:CCG>CTG; c.2450C>T, p.Pro817Leu (NM_172057.3); c.3470C>T (LRG_288t1); short protein forms P1157L, P817L.
Identifiers: ClinVar variation 67499 (VCV000067499.19), dbSNP rs143167166, ClinGen allele CA008345.